The following is an entry in ClinVar:

NM_005045.4(RELN):c.8011C>G (p.Leu2671Val)

Gene: RELN (reelin; minus strand). Cytogenetic location: 7q22.1.
Variant type: single nucleotide variant.
Coding change: c.8011C>G on transcript NM_005045.4 (MANE Select); coding-DNA position 8011, C replaced by G.
Protein change: p.Leu2671Val; replaces leucine 2671 with valine.
Molecular consequence: missense variant.
Genome position (GRCh38, 1-based): chr7:103,515,293, G>C on the plus strand (C>G on the coding strand, the complement: RELN is on the minus strand). VCF-style: chr7-103515293-G-C. GRCh37 (hg19) VCF-style: chr7-103155740-G-C.
Other names: c.8011C>G, p.Leu2671Val (NM_173054.3); short protein forms L2671V.
Identifiers: ClinVar variation 1405463 (VCV001405463.8), dbSNP rs761934008, ClinGen allele CA4420587.

ClinVar aggregate classification (germline): Uncertain significance (1 of 4 stars; one submission).

Conditions:
Norman-Roberts syndrome (LIS2). Also called: Lissencephaly 2 (Norman-Roberts type). Identifiers: Orphanet 89844, MedGen C0796089, MONDO:0009760, OMIM 257320.
Familial temporal lobe epilepsy 7. Identifiers: Orphanet 101046, MedGen C4225327, MONDO:0014639, OMIM 616436.

Allele frequency attached by ClinVar (database versions not stated): gnomAD 0.00001; ExAC 0.00002; gnomAD exomes 0.00002; TOPMed 0.00002.
gnomAD v4.1: 14 of 1,614,044 alleles (0.00087%); highest among the groups gnomAD compares: Non-Finnish European, 0.00085%; no homozygotes.

Submission:

Labcorp Genetics (formerly Invitae), Labcorp
Classification: Uncertain significance for Familial temporal lobe epilepsy 7; Norman-Roberts syndrome. Last evaluated: 2022-08-09. Review status: criteria provided, single submitter. Criteria: Invitae Variant Classification Sherloc (09022015). Collection method: clinical testing. Allele origin: germline.
Comment: Algorithms developed to predict the effect of missense changes on protein structure and function are either unavailable or do not agree on the potential impact of this missense change (SIFT: "Tolerated"; PolyPhen-2: "Probably Damaging"; Align-GVGD: "Class C0"). In summary, the available evidence is currently insufficient to determine the role of this variant in disease. Therefore, it has been classified as a Variant of Uncertain Significance. ClinVar contains an entry for this variant (Variation ID: 1405463). This variant has not been reported in the literature in individuals affected with RELN-related conditions. This variant is present in population databases (rs761934008, gnomAD 0.004%). This sequence change replaces leucine, which is neutral and non-polar, with valine, which is neutral and non-polar, at codon 2671 of the RELN protein (p.Leu2671Val).